The following is an entry in ClinVar:

ClinVar aggregate classification (germline): Uncertain significance (1 of 4 stars; one submission).

Submission:

Labcorp Genetics (formerly Invitae), Labcorp
Classification: Uncertain significance. Last evaluated: 2025-09-08. Review status: criteria provided, single submitter. Criteria: Invitae Variant Classification Sherloc (09022015). Collection method: clinical testing. Allele origin: germline.
Comment: This sequence change creates a premature translational stop signal (p.Tyr195*) in the OPN1SW gene. It is expected to result in an absent or disrupted protein product. However, the current clinical and genetic evidence is not sufficient to establish whether loss-of-function variants in OPN1SW cause disease. This variant is not present in population databases (gnomAD no frequency). This variant has not been reported in the literature in individuals affected with OPN1SW-related conditions. ClinVar contains an entry for this variant (Variation ID: 1395228). In summary, the available evidence is currently insufficient to determine the role of this variant in disease. Therefore, it has been classified as a Variant of Uncertain Significance.

NM_001385125.1(OPN1SW):c.576C>G (p.Tyr192Ter)

Gene: OPN1SW (opsin 1, short wave sensitive; minus strand). Cytogenetic location: 7q32.1.
Variant type: single nucleotide variant.
Coding change: c.576C>G on transcript NM_001385125.1 (MANE Select); coding-DNA position 576, C replaced by G.
Protein change: p.Tyr192Ter; replaces tyrosine 192 with a stop codon.
Molecular consequence: nonsense.
Genome position (GRCh38, 1-based): chr7:128,774,600, G>C on the plus strand (C>G on the coding strand, the complement: OPN1SW is on the minus strand). VCF-style: chr7-128774600-G-C. GRCh37 (hg19) VCF-style: chr7-128414654-G-C.
Other names: short protein forms Y192*.
Identifiers: ClinVar variation 1395228 (VCV001395228.6), dbSNP rs759971925, ClinGen allele CA369218845.